The following is an entry in ClinVar:

ClinVar aggregate classification (germline): Pathogenic (1 of 4 stars; one submission).

Conditions:
Recessive dystrophic epidermolysis bullosa (RDEB). Also called: DYSTROPHIC EPIDERMOLYSIS BULLOSA, AUTOSOMAL RECESSIVE; EPIDERMOLYSIS BULLOSA DYSTROPHICA, HALLOPEAU-SIEMENS TYPE; Hallopeau-Siemens Disease; severe generalized recessive dystrophic epidermolysis bullosa; EPIDERMOLYSIS BULLOSA DYSTROPHICA, GENERALIZED SEVERE, AUTOSOMAL RECESSIVE; Epidermolysis Bullosa Distrophica Autosomal Recessive (RDEB). Identifiers: Orphanet 79408, Orphanet 79409, MedGen C0079474, MONDO:0009179, OMIM 226600.

Submission:

Molecular Genetics Department, Kulakov National Medical Research Center for Obstetrics, Gynecology and Perinatology
Classification: Pathogenic for Recessive dystrophic epidermolysis bullosa. Review status: criteria provided, single submitter. Criteria: ACMG Guidelines, 2015. Collection method: clinical testing. Allele origin: germline. Affected: yes. Observed: 1 variant allele.
Comment: A previously undescribed heterozygous nucleotide variant creates a missense p.Lys1981Met in the COL7A1 gene. Homozygous and compound heterozygous variants are reported in patients with Epidermolysis bullosa dystrophica, autosomal recessive, 226600. Another variant resulting in an amino acid substitution at the same position (p.Lys1981Arg) has been described in a compound heterozygous form in a patient with epidermolysis bullosa [Jerabkova et al., 2010, PMID: 20598510]. The variant is found in trans-position with the COL7A1 variant (NM_000094.4:c.1826C>G). The variant is not present in population database (gnomAD no frequency). In summary, this variant has been classified as pathogenic.

Literature cited by the submitters: PubMed 20598510.

NM_000094.4(COL7A1):c.5942A>T (p.Lys1981Met)

Gene: COL7A1 (collagen type VII alpha 1 chain; minus strand). Cytogenetic location: 3p21.31.
Variant type: single nucleotide variant.
Coding change: c.5942A>T on transcript NM_000094.4 (MANE Select); coding-DNA position 5942, A replaced by T.
Protein change: p.Lys1981Met; replaces lysine 1981 with methionine.
Molecular consequence: missense variant.
Genome position (GRCh38, 1-based): chr3:48,575,663, T>A on the plus strand (A>T on the coding strand, the complement: COL7A1 is on the minus strand). VCF-style: chr3-48575663-T-A. GRCh37 (hg19) VCF-style: chr3-48613096-T-A.
Other names: short protein forms K1981M.
Identifiers: ClinVar variation 4294496 (VCV004294496.1).